The following is an entry in ClinVar:

ClinVar aggregate classification (germline): Pathogenic. Review status: criteria provided, multiple submitters, no conflicts (2 of 4 stars). 2 submissions from 2 submitters: Pathogenic (2). Last evaluated 2025-04-21.

Conditions:
Charcot-Marie-Tooth disease axonal type 2V. Also called: CHARCOT-MARIE-TOOTH NEUROPATHY, TYPE 2V; CHARCOT-MARIE-TOOTH DISEASE, AXONAL, AUTOSOMAL DOMINANT, TYPE 2V. Identifiers: Orphanet 447964, MedGen C5569050, MONDO:0014665, OMIM 616491.
Mucopolysaccharidosis, MPS-III-B (MPS3B). Also called: N-ACETYL-ALPHA-D-GLUCOSAMINIDASE DEFICIENCY; NAGLU DEFICIENCY; SANFILIPPO SYNDROME B; MPS III B; Mucopolysaccharidosis type IIIB (Sanfilippo B); MUCOPOLYSACCHARIDOSIS, TYPE IIIB. Identifiers: Orphanet 79270, MedGen C0086648, MONDO:0009656, OMIM 252920.

gnomAD v4.1: 1 of 1,613,712 alleles (0.000062%); highest among the groups gnomAD compares: Non-Finnish European, 0.000085%; no homozygotes.

Submissions (2):

Natera, Inc.
Classification: Pathogenic for Mucopolysaccharidosis type IIIB. Last evaluated: 2025-04-21. Review status: criteria provided, single submitter. Criteria: Natera Variant Classification Schema (03/2026). Collection method: clinical testing. Allele origin: germline.
Comment: The c.531+1G>C variant in NAGLU is a canonical splice donor site variant predicted to affect pre-mRNA splicing, which may result in an abnormal transcript and altered protein product. This variant is expected to result in nonsense mediated decay, truncation, or a dysfunctional protein product. This variant is rare in the general population with a frequency below the threshold expected for the associated phenotype(s). This variant has been observed in one or more individuals affected with the associated recessive disease, as either homozygous or compound heterozygous with a second variant (PMID: 21685203). Given the available evidence, this variant is classified as Pathogenic.

Labcorp Genetics (formerly Invitae), Labcorp
Classification: Pathogenic for Charcot-Marie-Tooth disease axonal type 2V; Mucopolysaccharidosis, MPS-III-B. Last evaluated: 2024-06-08. Review status: criteria provided, single submitter. Criteria: Invitae Variant Classification Sherloc (09022015). Collection method: clinical testing. Allele origin: germline.
Comment: This sequence change affects a donor splice site in intron 2 of the NAGLU gene. It is expected to disrupt RNA splicing. Variants that disrupt the donor or acceptor splice site typically lead to a loss of protein function (PMID: 16199547), and loss-of-function variants in NAGLU are known to be pathogenic (PMID: 9832037, 10094189, 16151907). This variant is present in population databases (no rsID available, gnomAD 0.0009%). Disruption of this splice site has been observed in individual(s) with mucopolysaccharidosis type III (PMID: 21685203). Algorithms developed to predict the effect of sequence changes on RNA splicing suggest that this variant may disrupt the consensus splice site. For these reasons, this variant has been classified as Pathogenic.

Literature cited by the submitters: PubMed 21685203 (cited by Natera, Inc. and Labcorp Genetics (formerly Invitae), Labcorp); PubMed 16199547 (cited by Labcorp Genetics (formerly Invitae), Labcorp); PubMed 9832037 (cited by Labcorp Genetics (formerly Invitae), Labcorp); PubMed 10094189 (cited by Labcorp Genetics (formerly Invitae), Labcorp); PubMed 16151907 (cited by Labcorp Genetics (formerly Invitae), Labcorp).

NM_000263.4(NAGLU):c.531+1G>C

Gene: NAGLU (N-acetyl-alpha-glucosaminidase; plus strand). Cytogenetic location: 17q21.2.
Variant type: single nucleotide variant.
Coding change: c.531+1G>C on transcript NM_000263.4 (MANE Select); the canonical splice donor site of the intron after coding-DNA position 531, G replaced by C.
Molecular consequence: splice donor variant.
Genome position (GRCh38, 1-based): chr17:42,537,546, G>C. VCF-style: chr17-42537546-G-C. GRCh37 (hg19) VCF-style: chr17-40689564-G-C.
Other names: c.531+1G>C (NM_000263.3).
Identifiers: ClinVar variation 3759436 (VCV003759436.4).